The following is an entry in ClinVar:

NM_201384.3(PLEC):c.9326A>G (p.Tyr3109Cys)

Gene: PLEC (plectin; minus strand). Cytogenetic location: 8q24.3.
Variant type: single nucleotide variant.
Coding change: c.9326A>G on transcript NM_201384.3 (MANE Select); coding-DNA position 9326, A replaced by G.
Protein change: p.Tyr3109Cys; replaces tyrosine 3109 with cysteine.
Molecular consequence: missense variant.
Genome position (GRCh38, 1-based): chr8:143,920,495, T>C on the plus strand (A>G on the coding strand, the complement: PLEC is on the minus strand). VCF-style: chr8-143920495-T-C. GRCh37 (hg19) VCF-style: chr8-144994663-T-C.
Other names: c.9407A>G, p.Tyr3136Cys (NM_000445.5); c.9284A>G, p.Tyr3095Cys (NM_201378.4); c.9260A>G, p.Tyr3087Cys (NM_201379.3); c.9737A>G, p.Tyr3246Cys (NM_201380.4); c.9230A>G, p.Tyr3077Cys (NM_201381.3); c.9326A>G, p.Tyr3109Cys (NM_201382.4); c.9338A>G, p.Tyr3113Cys (NM_201383.3); short protein forms Y3095C, Y3109C, Y3136C, Y3077C, Y3087C, Y3113C, Y3246C.
Identifiers: ClinVar variation 1029851 (VCV001029851.1), dbSNP rs1554681992, ClinGen allele CA372510597.

ClinVar aggregate classification (germline): Uncertain significance (1 of 4 stars; one submission).

Conditions:
Epidermolysis bullosa simplex with nail dystrophy (EBS5D). Identifiers: MedGen C4225309, MONDO:0014661, OMIM 616487.

Allele frequency attached by ClinVar (database versions not stated): TOPMed below 0.00001.
gnomAD v4.1: 1 of 1,609,646 alleles (0.000062%); highest among the groups gnomAD compares: Non-Finnish European, 0.000085%; no homozygotes.

Submission:

Baylor Genetics
Classification: Uncertain significance for Epidermolysis bullosa simplex with nail dystrophy. Last evaluated: 2019-12-28. Review status: criteria provided, single submitter. Criteria: ACMG Guidelines, 2015. Collection method: clinical testing. Allele origin: unknown. Affected: yes.
Comment: This variant was determined to be of uncertain significance according to ACMG Guidelines, 2015 [PMID:25741868].